The following is an entry in ClinVar:

NM_000383.4(AIRE):c.1566+1G>C

Genes: AIRE (autoimmune regulator; plus strand), LOC130066813 (ATAC-STARR-seq lymphoblastoid silent region 13378; plus strand). Cytogenetic location: 21q22.3.
Variant type: single nucleotide variant.
Coding change: c.1566+1G>C on transcript NM_000383.4 (MANE Select); the canonical splice donor site of the intron after coding-DNA position 1566, G replaced by C.
Molecular consequence: splice donor variant.
Genome position (GRCh38, 1-based): chr21:44,296,446, G>C. VCF-style: chr21-44296446-G-C. GRCh37 (hg19) VCF-style: chr21-45716329-G-C.
Identifiers: ClinVar variation 2421759 (VCV002421759.8), dbSNP rs2040608924, ClinGen allele CA410426189.
Genomic context (GRCh38, chr21:44,296,446, plus strand): 5'-GACACTGCCAGTCACGAGCCCGCTCTGCACAGGGATGACCTGGAGTCCCTTCTGAGCGAG[G>C]TAACGCCTCCCCTGGCCTCCTGGTGCTCCTCCACTCCCCCTCCCCTGCCTCAGCCGGCAC-3'

ClinVar aggregate classification (germline): Pathogenic (1 of 4 stars; one submission).

Conditions:
Polyglandular autoimmune syndrome, type 1 (APS1). Also called: Autoimmune polyendocrine syndrome type 1; Autoimmune polyendocrinopathy syndrome, type I; HYPOADRENOCORTICISM WITH HYPOPARATHYROIDISM AND SUPERFICIAL MONILIASIS; PGA I; Autoimmune polyendocrinopathy syndrome , type I, with or without reversible metaphyseal dysplasia; APS I. Identifiers: Orphanet 3453, MedGen C0085859, MONDO:0009411, OMIM 240300.

Submission:

Labcorp Genetics (formerly Invitae), Labcorp
Classification: Pathogenic for Polyglandular autoimmune syndrome, type 1. Last evaluated: 2022-11-01. Review status: criteria provided, single submitter. Criteria: Invitae Variant Classification Sherloc (09022015). Collection method: clinical testing. Allele origin: germline.
Comment: This sequence change affects a donor splice site in intron 13 of the AIRE gene. While this variant is not anticipated to result in nonsense mediated decay, it likely alters RNA splicing and results in a disrupted protein product. For these reasons, this variant has been classified as Pathogenic. This variant disrupts a region of the AIRE protein in which other variant(s) (p.Pro539Leu) have been determined to be pathogenic (PMID: 11836330, 15811934, 17289071). This suggests that this is a clinically significant region of the protein, and that variants that disrupt it are likely to be disease-causing. Variants that disrupt the consensus splice site are a relatively common cause of aberrant splicing (PMID: 17576681, 9536098). Algorithms developed to predict the effect of sequence changes on RNA splicing suggest that this variant may disrupt the consensus splice site. This variant has not been reported in the literature in individuals affected with AIRE-related conditions. This variant is not present in population databases (gnomAD no frequency).

Literature cited by the submitters: PubMed 11836330; PubMed 15811934; PubMed 17289071; PubMed 17576681; PubMed 9536098.